The following is an entry in ClinVar:

NM_003280.3(TNNC1):c.225T>G (p.Asp75Glu)

Gene: TNNC1 (troponin C1, slow skeletal and cardiac type; minus strand). Cytogenetic location: 3p21.1.
Variant type: single nucleotide variant.
Coding change: c.225T>G on transcript NM_003280.3 (MANE Select); coding-DNA position 225, T replaced by G.
Protein change: p.Asp75Glu; replaces aspartic acid 75 with glutamic acid.
Molecular consequence: missense variant.
Genome position (GRCh38, 1-based): chr3:52,451,836, A>C on the plus strand (T>G on the coding strand, the complement: TNNC1 is on the minus strand). VCF-style: chr3-52451836-A-C. GRCh37 (hg19) VCF-style: chr3-52485852-A-C.
Other names: short protein forms D75E.
Identifiers: ClinVar variation 2585942 (VCV002585942.3), dbSNP rs776989897, ClinGen allele CA2438547.

ClinVar aggregate classification (germline): Uncertain significance. Review status: criteria provided, multiple submitters, no conflicts (2 of 4 stars). 2 submissions from 2 submitters: Uncertain significance (2). Last evaluated 2024-04-22.

Conditions:
Cardiovascular phenotype. Identifiers: MedGen CN230736.
Dilated cardiomyopathy 1Z (CMD1Z). Identifiers: Orphanet 154, MedGen C2678475, MONDO:0012745, OMIM 611879.
Hypertrophic cardiomyopathy 13. Also called: TNNC1-Related Familial Hypertrophic Cardiomyopathy. Identifiers: MedGen C2750472, MONDO:0013195, OMIM 613243.

Allele frequency attached by ClinVar (database versions not stated): ExAC 0.00001.

Submissions (2):

Labcorp Genetics (formerly Invitae), Labcorp
Classification: Uncertain significance for Hypertrophic cardiomyopathy 13; Dilated cardiomyopathy 1Z. Last evaluated: 2024-04-22. Review status: criteria provided, single submitter. Criteria: Invitae Variant Classification Sherloc (09022015). Collection method: clinical testing. Allele origin: germline.
Comment: This sequence change replaces aspartic acid, which is acidic and polar, with glutamic acid, which is acidic and polar, at codon 75 of the TNNC1 protein (p.Asp75Glu). This variant is present in population databases (rs776989897, gnomAD 0.01%). This variant has not been reported in the literature in individuals affected with TNNC1-related conditions. ClinVar contains an entry for this variant (Variation ID: 2585942). Algorithms developed to predict the effect of missense changes on protein structure and function output the following: SIFT: "Not Available"; PolyPhen-2: "Benign"; Align-GVGD: "Not Available". The glutamic acid amino acid residue is found in multiple mammalian species, which suggests that this missense change does not adversely affect protein function. In summary, the available evidence is currently insufficient to determine the role of this variant in disease. Therefore, it has been classified as a Variant of Uncertain Significance.

Ambry Genetics
Classification: Uncertain significance for Cardiovascular phenotype. Last evaluated: 2023-08-07. Review status: criteria provided, single submitter. Criteria: Ambry Variant Classification Scheme 2023. Collection method: clinical testing. Allele origin: germline.
Comment: The p.D75E variant (also known as c.225T>G), located in coding exon 4 of the TNNC1 gene, results from a T to G substitution at nucleotide position 225. The aspartic acid at codon 75 is replaced by glutamic acid, an amino acid with highly similar properties. This amino acid position is conserved. In addition, this alteration is predicted to be tolerated by in silico analysis. Since supporting evidence is limited at this time, the clinical significance of this alteration remains unclear.